The following is an entry in ClinVar:

ClinVar aggregate classification (germline): Uncertain significance (1 of 4 stars; one submission).

Conditions:
Walker-Warburg congenital muscular dystrophy. Also called: Muscular dystrophy-dystroglycanopathy, type A; Walker-Warburg syndrome. Identifiers: Orphanet 899, MedGen C0265221, MONDO:0000171.

Submission:

Labcorp Genetics (formerly Invitae), Labcorp
Classification: Uncertain significance for Walker-Warburg congenital muscular dystrophy. Last evaluated: 2019-08-29. Review status: criteria provided, single submitter. Criteria: Invitae Variant Classification Sherloc (09022015). Collection method: clinical testing. Allele origin: germline.
Comment: This variant results in a copy number gain of the genomic region encompassing the full coding sequence of the FKTN gene. The boundaries of this event are unknown as they extend beyond the assayed region for this gene and therefore may encompass additional genes. As the precise location of this event is unknown, it may be in tandem or it may be located elsewhere in the genome. This variant has not been reported in the literature in individuals with FKTN-related conditions. In summary, the available evidence is currently insufficient to determine the role of this variant in disease. Therefore, it has been classified as a Variant of Uncertain Significance.

NC_000009.12:g.(?_105575023)_(105635274_?)dup

Gene: FKTN (fukutin; plus strand). Cytogenetic location: 9q31.2.
Variant type: Duplication.
Identifiers: ClinVar variation 831470 (VCV000831470.1).